The following is an entry in ClinVar:

NM_014423.4(AFF4):c.845A>G (p.Asn282Ser)

Gene: AFF4 (ALF transcription elongation factor 4; minus strand). Cytogenetic location: 5q31.1.
Variant type: single nucleotide variant.
Coding change: c.845A>G on transcript NM_014423.4 (MANE Select); coding-DNA position 845, A replaced by G.
Protein change: p.Asn282Ser; replaces asparagine 282 with serine.
Molecular consequence: missense variant.
Genome position (GRCh38, 1-based): chr5:132,934,220, T>C on the plus strand (A>G on the coding strand, the complement: AFF4 is on the minus strand). VCF-style: chr5-132934220-T-C. GRCh37 (hg19) VCF-style: chr5-132269912-T-C.
Other names: short protein forms N282S.
Identifiers: ClinVar variation 3358747 (VCV003358747.1).
Genomic context (GRCh38, chr5:132,934,220, plus strand): 5'-GAAGGTATTTTCAGCTTGGTGAGATGTGCTTTGCTGCTGGGCTTCAGCTCAGTCATGCTG[T>C]TGCCATGGGATTGGCTGCTGTAGTGCTCAGAGGACAGCTTTGGTTCCATGGACTCCTGTC-3'
Protein context (NP_055238.1, residues 272-292): SEHYSSQSHG[Asn282Ser]SMTELKPSSK

ClinVar aggregate classification (germline): Uncertain significance (0 of 4 stars; one submission).

Conditions:
AFF4-related disorder. Also called: AFF4-related condition.

gnomAD v4.1: 26 of 1,614,070 alleles (0.0016%); highest among the groups gnomAD compares: Non-Finnish European, 0.0019%; no homozygotes.

Submission:

PreventionGenetics, part of Exact Sciences
Classification: Uncertain significance for AFF4-related condition. Last evaluated: 2024-05-16. Review status: no assertion criteria provided. Collection method: clinical testing. Allele origin: germline.
Comment: The AFF4 c.845A>G variant is predicted to result in the amino acid substitution p.Asn282Ser. To our knowledge, this variant has not been reported in the literature. This variant is reported in 0.0065% of alleles in individuals of European (Non-Finnish) descent in gnomAD. At this time, the clinical significance of this variant is uncertain due to the absence of conclusive functional and genetic evidence.